The following is an entry in ClinVar:

ClinVar aggregate classification (germline): Uncertain significance (1 of 4 stars; one submission).

Submission:

Labcorp Genetics (formerly Invitae), Labcorp
Classification: Uncertain significance. Last evaluated: 2022-11-15. Review status: criteria provided, single submitter. Criteria: Invitae Variant Classification Sherloc (09022015). Collection method: clinical testing. Allele origin: germline.
Comment: This variant has not been reported in the literature in individuals affected with TRAF3IP1-related conditions. This variant is not present in population databases (gnomAD no frequency). This sequence change falls in intron 14 of the TRAF3IP1 gene. It does not directly change the encoded amino acid sequence of the TRAF3IP1 protein. It affects a nucleotide within the consensus splice site. In summary, the available evidence is currently insufficient to determine the role of this variant in disease. Therefore, it has been classified as a Variant of Uncertain Significance. Variants that disrupt the consensus splice site are a relatively common cause of aberrant splicing (PMID: 17576681, 9536098). Algorithms developed to predict the effect of sequence changes on RNA splicing suggest that this variant is not likely to affect RNA splicing.

Literature cited by the submitters: PubMed 17576681; PubMed 9536098.

NM_015650.4(TRAF3IP1):c.1613-3C>T

Gene: TRAF3IP1 (TRAF3 interacting protein 1; plus strand). Cytogenetic location: 2q37.3.
Variant type: single nucleotide variant.
Coding change: c.1613-3C>T on transcript NM_015650.4 (MANE Select); 3 bases into the intron before coding-DNA position 1613, C replaced by T.
Molecular consequence: intron variant.
Genome position (GRCh38, 1-based): chr2:238,356,001, C>T. VCF-style: chr2-238356001-C-T. GRCh37 (hg19) VCF-style: chr2-239264642-C-T.
Other names: c.1415-3C>T (NM_001139490.1).
Identifiers: ClinVar variation 2971570 (VCV002971570.3), dbSNP rs2469715840, ClinGen allele CA2663893419.